The following is an entry in ClinVar:

NM_014974.3(DIP2C):c.890C>T (p.Pro297Leu)

Gene: DIP2C (DIP2 acetate--CoA ligase C (putative); minus strand). Cytogenetic location: 10p15.3.
Variant type: single nucleotide variant.
Coding change: c.890C>T on transcript NM_014974.3 (MANE Select); coding-DNA position 890, C replaced by T.
Protein change: p.Pro297Leu; replaces proline 297 with leucine.
Molecular consequence: missense variant.
Genome position (GRCh38, 1-based): chr10:414,080, G>A on the plus strand (C>T on the coding strand, the complement: DIP2C is on the minus strand). VCF-style: chr10-414080-G-A. GRCh37 (hg19) VCF-style: chr10-460020-G-A.
Other names: c.890C>T (NM_014974.2); short protein forms P297L.
Identifiers: ClinVar variation 3017201 (VCV003017201.4), dbSNP rs536406182, ClinGen allele CA5381148.

ClinVar aggregate classification (germline): Uncertain significance. Review status: criteria provided, multiple submitters, no conflicts (2 of 4 stars). 2 submissions from 2 submitters: Uncertain significance (2). Last evaluated 2024-11-18.

Conditions:
Inborn genetic diseases. Identifiers: MedGen C0950123, MeSH D030342.

Allele frequency attached by ClinVar (database versions not stated): gnomAD exomes 0.00001; TOPMed 0.00001; ExAC 0.00002; gnomAD 0.00003; 1000 Genomes Project 30x 0.00016; 1000 Genomes Project 0.00020.
gnomAD v4.1: 26 of 1,613,834 alleles (0.0016%); highest among the groups gnomAD compares: South Asian, 0.0055%; no homozygotes.

Submissions (2):

Labcorp Genetics (formerly Invitae), Labcorp
Classification: Uncertain significance. Last evaluated: 2024-11-18. Review status: criteria provided, single submitter. Criteria: Invitae Variant Classification Sherloc (09022015). Collection method: clinical testing. Allele origin: germline.
Comment: This sequence change replaces proline, which is neutral and non-polar, with leucine, which is neutral and non-polar, at codon 297 of the DIP2C protein (p.Pro297Leu). This variant is present in population databases (rs536406182, gnomAD 0.007%). This variant has not been reported in the literature in individuals affected with DIP2C-related conditions. ClinVar contains an entry for this variant (Variation ID: 3017201). An algorithm developed to predict the effect of missense changes on protein structure and function (PolyPhen-2) suggests that this variant is likely to be disruptive. In summary, the available evidence is currently insufficient to determine the role of this variant in disease. Therefore, it has been classified as a Variant of Uncertain Significance.

Ambry Genetics
Classification: Uncertain significance for Inborn genetic diseases. Last evaluated: 2023-11-29. Review status: criteria provided, single submitter. Criteria: Ambry Variant Classification Scheme 2023. Collection method: clinical testing. Allele origin: germline.